The following is an entry in ClinVar:

NM_020719.3(PRR12):c.485T>A (p.Phe162Tyr)

Gene: PRR12 (proline rich 12; plus strand). Cytogenetic location: 19q13.33.
Variant type: single nucleotide variant.
Coding change: c.485T>A on transcript NM_020719.3 (MANE Select); coding-DNA position 485, T replaced by A.
Protein change: p.Phe162Tyr; replaces phenylalanine 162 with tyrosine.
Molecular consequence: missense variant.
Genome position (GRCh38, 1-based): chr19:49,594,820, T>A. VCF-style: chr19-49594820-T-A. GRCh37 (hg19) VCF-style: chr19-50098077-T-A.
Other names: short protein forms F162Y.
Identifiers: ClinVar variation 4529869 (VCV004529869.2).

ClinVar aggregate classification (germline): Uncertain significance (1 of 4 stars; one submission).

Submission:

GeneDx
Classification: Uncertain significance. Last evaluated: 2026-07-16. Review status: criteria provided, single submitter. Criteria: GeneDx Variant Classification Process June 2021. Collection method: clinical testing. Allele origin: germline.
Comment: Not observed at significant frequency in large population cohorts (gnomAD); In silico analysis suggests that this missense variant does not alter protein structure/function; Has not been previously published as pathogenic or benign to our knowledge